The following is an entry in ClinVar:

NM_001113378.2(FANCI):c.2041A>C (p.Thr681Pro)

Gene: FANCI (FA complementation group I; plus strand). Cytogenetic location: 15q26.1.
Variant type: single nucleotide variant.
Coding change: c.2041A>C on transcript NM_001113378.2 (MANE Select); coding-DNA position 2041, A replaced by C.
Protein change: p.Thr681Pro; replaces threonine 681 with proline.
Molecular consequence: missense variant.
Genome position (GRCh38, 1-based): chr15:89,292,736, A>C. VCF-style: chr15-89292736-A-C. GRCh37 (hg19) VCF-style: chr15-89835967-A-C.
Other names: c.1762A>C, p.Thr588Pro (NM_001376910.1); c.2041A>C, p.Thr681Pro (NM_001376911.1, NM_018193.3); short protein forms T588P, T681P.
Identifiers: ClinVar variation 1317034 (VCV001317034.13), dbSNP rs554876309, ClinGen allele CA7723265.

ClinVar aggregate classification (germline): Uncertain significance. Review status: criteria provided, multiple submitters, no conflicts (2 of 4 stars). 4 submissions from 4 submitters: Uncertain significance (4). Last evaluated 2024-12-09.

Conditions:
Fanconi anemia (FA). Also called: Fanconi's anemia. Identifiers: Orphanet 84, MedGen C0015625, MeSH D005199, MONDO:0019391.
Fanconi anemia complementation group I (FANCI). Also called: FANCI-Related Fanconi Anemia. Identifiers: Orphanet 84, MedGen C1836861, MONDO:0012186, OMIM 609053.

Allele frequency attached by ClinVar (database versions not stated): ExAC 0.00007; gnomAD 0.00017 and 0.00019; 1000 Genomes Project 0.00020; TOPMed 0.00026; 1000 Genomes Project 30x 0.00031.
gnomAD v4.1: 61 of 1,613,988 alleles (0.0038%); highest among the groups gnomAD compares: African/African-American, 0.065%; no homozygotes.

Submissions (4):

Labcorp Genetics (formerly Invitae), Labcorp
Classification: Uncertain significance for Fanconi anemia. Last evaluated: 2024-12-09. Review status: criteria provided, single submitter. Criteria: Invitae Variant Classification Sherloc (09022015). Collection method: clinical testing. Allele origin: germline.
Comment: This sequence change replaces threonine, which is neutral and polar, with proline, which is neutral and non-polar, at codon 681 of the FANCI protein (p.Thr681Pro). This variant is present in population databases (rs554876309, gnomAD 0.08%). This variant has not been reported in the literature in individuals affected with FANCI-related conditions. ClinVar contains an entry for this variant (Variation ID: 1317034). Invitae Evidence Modeling of protein sequence and biophysical properties (such as structural, functional, and spatial information, amino acid conservation, physicochemical variation, residue mobility, and thermodynamic stability) indicates that this missense variant is not expected to disrupt FANCI protein function with a negative predictive value of 80%. In summary, the available evidence is currently insufficient to determine the role of this variant in disease. Therefore, it has been classified as a Variant of Uncertain Significance.

GeneDx
Classification: Uncertain significance. Last evaluated: 2023-12-14. Review status: criteria provided, single submitter. Criteria: GeneDx Variant Classification Process June 2021. Collection method: clinical testing. Allele origin: germline. Affected: yes.
Comment: In silico analysis supports that this missense variant does not alter protein structure/function; Has not been previously published as pathogenic or benign to our knowledge

Fulgent Genetics
Classification: Uncertain significance for Fanconi anemia complementation group I. Last evaluated: 2022-02-18. Review status: criteria provided, single submitter. Criteria: ACMG Guidelines, 2015. Collection method: clinical testing. Allele origin: unknown.

Genetic Services Laboratory, University of Chicago
Classification: Uncertain significance. Last evaluated: 2021-04-06. Review status: criteria provided, single submitter. Criteria: ACMG Guidelines, 2015. Collection method: clinical testing. Allele origin: germline. Affected: no.
Comment: DNA sequence analysis of the FANCI gene demonstrated a sequence change, c.2041A>C, in exon 21 that results in an amino acid change, p.Thr681Pro. This sequence change has been described in gnomAD with a frequency of 0.072% in the African sub-population (dbSNP rs554876309). The p.Thr681Pro change affects a poory conserved amino acid residue located in a domain of the FANCI protein that is not known to be functional. The p.Thr681Pro substitution benign using several in-silico pathogenicity prediction tools (SIFT, PolyPhen2, Align GVGD, REVEL). This sequence change does not appear to have been previously described in patients with FANCI-related disorders. Due to the lack of sufficient evidences, the clinical significance of the p.Thr681Pro change remains unknown at this time.